The following is an entry in ClinVar:

NM_000350.3(ABCA4):c.1320CTT[1] (p.Phe442del)

Gene: ABCA4 (ATP binding cassette subfamily A member 4; minus strand). Cytogenetic location: 1p22.1.
Variant type: Microsatellite.
Coding change: c.1320CTT[1] on transcript NM_000350.3 (MANE Select); one copy of the 3-base unit CTT starting at c.1320; the reference has two copies in a row; one copy, 3 bases deleted.
Protein change: p.Phe442del; deletes phenylalanine 442.
Molecular consequence: inframe deletion.
Genome position (GRCh38, 1-based): chr1:94,078,621-94,078,623, AAG deleted on the plus strand (CTT on the coding strand, the reverse complement: ABCA4 is on the minus strand); deleting any 3 consecutive bases within chr1:94,078,621-94,078,626 gives the same sequence; the position shown is the placement nearest the transcript's 3' end. VCF-style (leftmost placement, unchanged base first): chr1-94078620-AAAG-A. GRCh37 (hg19) VCF-style: chr1-94544176-AAAG-A.
Other names: c.1320CTT[1], p.Phe442del (NM_001425324.1); short protein forms F442del.
Identifiers: ClinVar variation 3369802 (VCV003369802.1).

ClinVar aggregate classification (germline): Uncertain significance (1 of 4 stars; one submission).

Submission:

GeneDx
Classification: Uncertain significance. Last evaluated: 2024-02-26. Review status: criteria provided, single submitter. Criteria: GeneDx Variant Classification Process June 2021. Collection method: clinical testing. Allele origin: germline. Affected: yes.
Comment: Not observed at significant frequency in large population cohorts (gnomAD); In-frame deletion of 1 amino acids in a non-repeat region; Has not been previously published as pathogenic or benign to our knowledge